The following is an entry in ClinVar:

ClinVar aggregate classification (germline): Likely benign. Review status: criteria provided, multiple submitters, no conflicts (2 of 4 stars). 5 submissions from 5 submitters: Likely benign (4). 1 of the submissions does not count toward it. Last evaluated 2025-11-23.

Conditions:
MYO7A-related disorder. Also called: MYO7A-related disorders.
Usher syndrome type 1B (USH1B). Also called: Usher syndrome type IB. Identifiers: MedGen C1848638, MONDO:0700087.

Allele frequency attached by ClinVar (database versions not stated): TOPMed 0.00002; gnomAD 0.00003 and 0.00004; gnomAD exomes 0.00003.
gnomAD v4.1: 47 of 1,608,612 alleles (0.0029%); highest among the groups gnomAD compares: East Asian, 0.011%; no homozygotes.

Submissions (5):

Labcorp Genetics (formerly Invitae), Labcorp
Classification: Likely benign. Last evaluated: 2025-11-23. Review status: criteria provided, single submitter. Criteria: Invitae Variant Classification Sherloc (09022015). Collection method: clinical testing. Allele origin: germline.

PreventionGenetics, part of Exact Sciences
Classification: Likely benign for MYO7A-related condition. Last evaluated: 2025-10-08. Review status: criteria provided, single submitter. Criteria: ACMG Guidelines, 2015. Collection method: clinical testing. Allele origin: germline.
Comment: This variant is classified as likely benign based on ACMG/AMP sequence variant interpretation guidelines (Richards et al. 2015 PMID: 25741868, with internal and published modifications).

Blueprint Genetics
Classification: Likely benign. Last evaluated: 2024-09-18. Review status: criteria provided, single submitter. Criteria: ACMG Guidelines, 2015. Collection method: clinical testing. Allele origin: germline.

CeGaT Center for Human Genetics Tuebingen
Classification: Likely benign. Last evaluated: 2022-10-01. Review status: criteria provided, single submitter. Criteria: CeGaT Center For Human Genetics Tuebingen Variant Classification Criteria Version 2. Collection method: clinical testing. Allele origin: germline. Affected: yes. Observed: 1 variant allele.
Comment: MYO7A: BP4, BP7

Natera, Inc.
Classification: Uncertain significance for Usher syndrome type 1B. Last evaluated: 2020-04-16. Review status: no assertion criteria provided. Collection method: clinical testing. Allele origin: germline. Not counted in ClinVar's aggregate classification.

NM_000260.4(MYO7A):c.2307C>T (p.Asn769=)

Gene: MYO7A (myosin VIIA; plus strand). Cytogenetic location: 11q13.5.
Variant type: single nucleotide variant.
Coding change: c.2307C>T on transcript NM_000260.4 (MANE Select); coding-DNA position 2307, C replaced by T.
Protein change: p.Asn769=; no amino-acid change (asparagine 769 retained).
Molecular consequence: synonymous variant.
Genome position (GRCh38, 1-based): chr11:77,179,069, C>T. VCF-style: chr11-77179069-C-T. GRCh37 (hg19) VCF-style: chr11-76890115-C-T.
Other names: c.2307C>T, p.Asn769= (NM_001127180.2); c.2274C>T, p.Asn758= (NM_001369365.1); c.2307C>T (NM_000260.3).
Identifiers: ClinVar variation 991220 (VCV000991220.36), dbSNP rs782329400, ClinGen allele CA6197802.